The following is an entry in ClinVar:

ClinVar aggregate classification (germline): Likely benign. Review status: criteria provided, multiple submitters, no conflicts (2 of 4 stars). 2 submissions from 2 submitters: Likely benign (2). Last evaluated 2025-10-05.

Conditions:
Stormorken syndrome (STRMK). Also called: THROMBOCYTOPATHY, ASPLENIA, AND MIOSIS. Identifiers: Orphanet 3204, MedGen C1861451, MONDO:0008497, OMIM 185070.
Combined immunodeficiency due to STIM1 deficiency. Also called: IMMUNODEFICIENCY 10; STIM1 DEFICIENCY. Identifiers: Orphanet 169090, Orphanet 317430, MedGen C2748557, MONDO:0013008, OMIM 612783.
Myopathy with tubular aggregates (TAM). Also called: Tubular Aggregate Myopathy. Identifiers: Orphanet 2593, MedGen C0410207, MONDO:0008051.

Allele frequency attached by ClinVar (database versions not stated): ESP Exome Variant Server 0.00008.

Submissions (2):

Labcorp Genetics (formerly Invitae), Labcorp
Classification: Likely benign for Myopathy with tubular aggregates; Combined immunodeficiency due to STIM1 deficiency; Stormorken syndrome. Last evaluated: 2025-10-05. Review status: criteria provided, single submitter. Criteria: Invitae Variant Classification Sherloc (09022015). Collection method: clinical testing. Allele origin: germline.

CeGaT Center for Human Genetics Tuebingen
Classification: Likely benign. Last evaluated: 2022-12-01. Review status: criteria provided, single submitter. Criteria: CeGaT Center For Human Genetics Tuebingen Variant Classification Criteria Version 2. Collection method: clinical testing. Allele origin: germline. Affected: yes. Observed: 1 variant allele.
Comment: STIM1: BP4, BP7

NM_001382567.1(STIM1):c.1634+13C>A

Gene: STIM1 (stromal interaction molecule 1; plus strand). Cytogenetic location: 11p15.4.
Variant type: single nucleotide variant.
Coding change: c.1634+13C>A on transcript NM_001382567.1 (MANE Select); 13 bases into the intron after coding-DNA position 1634, C replaced by A.
Molecular consequence: intron variant. On other transcripts: synonymous variant (2).
Genome position (GRCh38, 1-based): chr11:4,086,556, C>A. VCF-style: chr11-4086556-C-A. GRCh37 (hg19) VCF-style: chr11-4107786-C-A.
Other names: c.1554C>A, p.Gly518= (NM_001277961.3); c.1332C>A, p.Gly444= (NM_001382566.1); c.1319+13C>A (NM_001382578.1, NM_001382575.1, NM_001382576.1 and 2 more transcripts); c.1052+13C>A (NM_001382580.1, NM_001382581.1); c.1562+13C>A (NM_001382568.1); c.1541+13C>A (NM_001277962.2, NM_003156.4); c.1313+13C>A (NM_001382570.1); c.1406+13C>A (NM_001382569.1); and 1 more.
Identifiers: ClinVar variation 1998433 (VCV001998433.28), dbSNP rs370452244, ClinGen allele CA5830530.